The following is an entry in ClinVar:

NM_139057.4(ADAMTS17):c.688A>T (p.Ser230Cys)

Gene: ADAMTS17 (ADAM metallopeptidase with thrombospondin type 1 motif 17; minus strand). Cytogenetic location: 15q26.3.
Variant type: single nucleotide variant.
Coding change: c.688A>T on transcript NM_139057.4 (MANE Select); coding-DNA position 688, A replaced by T.
Protein change: p.Ser230Cys; replaces serine 230 with cysteine.
Molecular consequence: missense variant.
Genome position (GRCh38, 1-based): chr15:100,281,330, T>A on the plus strand (A>T on the coding strand, the complement: ADAMTS17 is on the minus strand). VCF-style: chr15-100281330-T-A. GRCh37 (hg19) VCF-style: chr15-100821535-T-A.
Other names: short protein forms S230C.
Identifiers: ClinVar variation 1513088 (VCV001513088.6), dbSNP rs2142079713, ClinGen allele CA393943955.

ClinVar aggregate classification (germline): Uncertain significance (1 of 4 stars; one submission).

Submission:

Labcorp Genetics (formerly Invitae), Labcorp
Classification: Uncertain significance. Last evaluated: 2023-11-28. Review status: criteria provided, single submitter. Criteria: Invitae Variant Classification Sherloc (09022015). Collection method: clinical testing. Allele origin: germline.
Comment: This sequence change replaces serine with cysteine at codon 230 of the ADAMTS17 protein (p.Ser230Cys). The serine residue is weakly conserved and there is a moderate physicochemical difference between serine and cysteine. This variant is not present in population databases (gnomAD no frequency). This variant has not been reported in the literature in individuals affected with ADAMTS17-related conditions. ClinVar contains an entry for this variant (Variation ID: 1513088). An algorithm developed to predict the effect of missense changes on protein structure and function (PolyPhen-2) suggests that this variant is likely to be tolerated. In summary, the available evidence is currently insufficient to determine the role of this variant in disease. Therefore, it has been classified as a Variant of Uncertain Significance.